The following is an entry in ClinVar:

NM_182643.3(DLC1):c.1346C>A (p.Ala449Asp)

Gene: DLC1 (DLC1 Rho GTPase activating protein; minus strand). Cytogenetic location: 8p22.
Variant type: single nucleotide variant.
Coding change: c.1346C>A on transcript NM_182643.3 (MANE Select); coding-DNA position 1346, C replaced by A.
Protein change: p.Ala449Asp; replaces alanine 449 with aspartic acid.
Molecular consequence: missense variant. On other transcripts: 5 prime UTR variant (1).
Genome position (GRCh38, 1-based): chr8:13,305,271, G>T on the plus strand (C>A on the coding strand, the complement: DLC1 is on the minus strand). VCF-style: chr8-13305271-G-T. GRCh37 (hg19) VCF-style: chr8-13162780-G-T.
Other names: c.1346C>A, p.Ala449Asp (NM_001348081.2, NM_001413124.1, NM_001413125.1 and 1 more transcripts); c.-106C>A (NM_001348082.2); short protein forms A449D.
Identifiers: ClinVar variation 4781360 (VCV004781360.1).
Genomic context (GRCh38, chr8:13,305,271, plus strand): 5'-AGGTGAAATTTATTCTAAAATAGATTGGCGAGAAAACAGAACCAAAATGTCAACTTACCA[G>T]CCTTTTCCTTCTCTGAAATACCTTGAATAGCCTGAAAAAAAAGACACAAAAATTGTGGTA-3'
Protein context (NP_872584.2, residues 439-459): AIQGISEKEK[Ala449Asp]EIEAKEACDW

ClinVar aggregate classification (germline): Uncertain significance (1 of 4 stars; one submission).

gnomAD v4.1: 44 of 1,608,062 alleles (0.0027%); highest among the groups gnomAD compares: Non-Finnish European, 0.00051%; no homozygotes.

Submission:

Labcorp Genetics (formerly Invitae), Labcorp
Classification: Uncertain significance. Last evaluated: 2025-11-06. Review status: criteria provided, single submitter. Criteria: Invitae Variant Classification Sherloc (09022015). Collection method: clinical testing. Allele origin: germline.
Comment: This sequence change replaces alanine, which is neutral and non-polar, with aspartic acid, which is acidic and polar, at codon 449 of the DLC1 protein (p.Ala449Asp). This variant is present in population databases (rs200549738, gnomAD 0.1%), and has an allele count higher than expected for a pathogenic variant. This variant has not been reported in the literature in individuals affected with DLC1-related conditions. An algorithm developed to predict the effect of missense changes on protein structure and function (PolyPhen-2) suggests that this variant is likely to be disruptive. In summary, the available evidence is currently insufficient to determine the role of this variant in disease. Therefore, it has been classified as a Variant of Uncertain Significance.